The following is an entry in ClinVar:

ClinVar aggregate classification (germline): Pathogenic (1 of 4 stars; one submission).

Conditions:
Hereditary breast ovarian cancer syndrome. Also called: Hereditary breast and ovarian cancer syndrome (HBOC); Hereditary breast and ovarian cancer; Hereditary breast and/or ovarian cancer syndrome; Hereditary breast and ovarian cancer syndrome; Breast and ovarian cancer; BRCA1- and BRCA2-Associated Hereditary Breast and Ovarian Cancer. Identifiers: Orphanet 145, MedGen C0677776, MeSH D061325, MONDO:0003582. Disease mechanism: loss of function.

Submission:

Labcorp Genetics (formerly Invitae), Labcorp
Classification: Pathogenic for Hereditary breast ovarian cancer syndrome. Last evaluated: 2019-02-17. Review status: criteria provided, single submitter. Criteria: Invitae Variant Classification Sherloc (09022015). Collection method: clinical testing. Allele origin: germline.
Comment: This sequence change creates a premature translational stop signal (p.Ser1479*) in the BRCA2 gene. It is expected to result in an absent or disrupted protein product. This variant is not present in population databases (ExAC no frequency). This variant has not been reported in the literature in individuals with BRCA2-related conditions. Loss-of-function variants in BRCA2 are known to be pathogenic (PMID: 20104584). For these reasons, this variant has been classified as Pathogenic.

Literature cited by the submitters: PubMed 20104584.

NM_000059.4(BRCA2):c.4435_4439del (p.Leu1478_Ser1479insTer)

Gene: BRCA2 (BRCA2 DNA repair associated; plus strand). Cytogenetic location: 13q13.1.
Variant type: Deletion.
Coding change: c.4435_4439del on transcript NM_000059.4 (MANE Select); coding-DNA positions 4435 to 4439, 5 bases deleted (AGTTA; older notation c.4435_4439delAGTTA).
Protein change: p.Leu1478_Ser1479insTer.
Molecular consequence: nonsense.
Genome position (GRCh38, 1-based): chr13:32,338,790-32,338,794, AGTTA deleted; deleting any 5 consecutive bases within chr13:32,338,788-32,338,794 gives the same sequence; the c. name uses the placement nearest the transcript's 3' end. VCF-style (leftmost placement, unchanged base first): chr13-32338787-CTAAGT-C. GRCh37 (hg19) VCF-style: chr13-32912924-CTAAGT-C.
Identifiers: ClinVar variation 839679 (VCV000839679.8), dbSNP rs2072504199, ClinGen allele CA916080549.
Genomic context (GRCh38, chr13:32,338,787, plus strand): 5'-CATAACTTTTCCTTAAATTCTGAATTACATTCTGACATAAGAAAGAACAAAATGGACATT[CTAAGT>C]TATGAGGAAACAGACATAGTTAAACACAAAATACTGAAAGAAAGTGTCCCAGTTGGTACT-3'